The following is an entry in ClinVar:

ClinVar aggregate classification (germline): Uncertain significance. Review status: criteria provided, multiple submitters, no conflicts (2 of 4 stars). 3 submissions from 3 submitters: Uncertain significance (2). 1 of the submissions does not count toward it. Last evaluated 2025-11-29.

Conditions:
Hereditary cancer-predisposing syndrome. Also called: Neoplastic Syndromes, Hereditary; Tumor predisposition; Hereditary Cancer Syndrome; Hereditary neoplastic syndrome. Identifiers: Orphanet 140162, MedGen C0027672, MeSH D009386, MONDO:0015356.
Cardiovascular phenotype. Identifiers: MedGen CN230736.
LZTR1-related disorder. Also called: LZTR1-related disorders; LZTR1-related condition.

Allele frequency attached by ClinVar (database versions not stated): gnomAD exomes below 0.00001.
gnomAD v4.1: 2 of 1,613,768 alleles (0.00012%); highest among the groups gnomAD compares: Non-Finnish European, 0.00017%; no homozygotes.

Submissions (3):

Ambry Genetics
Classification: Uncertain significance for Cardiovascular phenotype; Hereditary cancer-predisposing syndrome. Last evaluated: 2025-11-29. Review status: criteria provided, single submitter. Criteria: Ambry Variant Classification Scheme 2023. Collection method: clinical testing. Allele origin: germline.
Comment: The p.M695I variant (also known as c.2085G>A), located in coding exon 18 of the LZTR1 gene, results from a G to A substitution at nucleotide position 2085. The methionine at codon 695 is replaced by isoleucine, an amino acid with highly similar properties. This amino acid position is conserved. In addition, this alteration is predicted to be deleterious by in silico analysis. Since supporting evidence is limited at this time, the clinical significance of this alteration remains unclear.

Labcorp Genetics (formerly Invitae), Labcorp
Classification: Uncertain significance. Last evaluated: 2025-09-24. Review status: criteria provided, single submitter. Criteria: Invitae Variant Classification Sherloc (09022015). Collection method: clinical testing. Allele origin: germline.
Comment: This sequence change replaces methionine, which is neutral and non-polar, with isoleucine, which is neutral and non-polar, at codon 695 of the LZTR1 protein (p.Met695Ile). This variant is not present in population databases (gnomAD no frequency). This variant has not been reported in the literature in individuals affected with LZTR1-related conditions. ClinVar contains an entry for this variant (Variation ID: 1785631). Invitae Evidence Modeling of protein sequence and biophysical properties (such as structural, functional, and spatial information, amino acid conservation, physicochemical variation, residue mobility, and thermodynamic stability) indicates that this missense variant is not expected to disrupt LZTR1 protein function with a negative predictive value of 80%. In summary, the available evidence is currently insufficient to determine the role of this variant in disease. Therefore, it has been classified as a Variant of Uncertain Significance.

PreventionGenetics, part of Exact Sciences
Classification: Uncertain significance for LZTR1-related condition. Last evaluated: 2024-02-11. Review status: no assertion criteria provided. Collection method: clinical testing. Allele origin: germline. Not counted in ClinVar's aggregate classification.
Comment: The LZTR1 c.2085G>A variant is predicted to result in the amino acid substitution p.Met695Ile. This variant has been reported in an individual with disorder of sex development (Table 2, Globa et. al. 2022. PubMed ID: 35432193). This variant has not been reported in a large population database, indicating this variant is rare. At this time, the clinical significance of this variant is uncertain due to the absence of conclusive functional and genetic evidence.

NM_006767.4(LZTR1):c.2085G>A (p.Met695Ile)

Gene: LZTR1 (leucine zipper like post translational regulator 1; plus strand). Cytogenetic location: 22q11.21.
Variant type: single nucleotide variant.
Coding change: c.2085G>A on transcript NM_006767.4 (MANE Select); coding-DNA position 2085, G replaced by A.
Protein change: p.Met695Ile; replaces methionine 695 with isoleucine.
Molecular consequence: missense variant.
Genome position (GRCh38, 1-based): chr22:20,995,978, G>A. VCF-style: chr22-20995978-G-A. GRCh37 (hg19) VCF-style: chr22-21350267-G-A.
Other names: short protein forms M695I.
Identifiers: ClinVar variation 1785631 (VCV001785631.8), dbSNP rs2518624410, ClinGen allele CA410779219.
Genomic context (GRCh38, chr22:20,995,978, plus strand): 5'-CTTCGTTCTGCTGACGGCCAGGTGCCTACCGCTCGTTGTCTGCAGCTACTTTGAAGCCAT[G>A]TTCCGGTCCTTCATGCCCGAAGATGGGCAGGTGAACATCTCCATCGGGGAGATGGTGCCC-3'
Protein context (NP_006758.2, residues 685-705): LAARSSYFEA[Met695Ile]FRSFMPEDGQ